The following is an entry in ClinVar:

ClinVar aggregate classification (germline): Uncertain significance (1 of 4 stars; one submission).

Conditions:
Neuropathy, hereditary motor and sensory, type 6B (HMSN6B). Also called: Neuropathy, hereditary motor and sensory, type VIB; NEUROPATHY, HEREDITARY MOTOR AND SENSORY, TYPE VIB, WITH OPTIC ATROPHY; HMSN VIB; CHARCOT-MARIE-TOOTH DISEASE, TYPE 6B. Identifiers: MedGen C4225302, MONDO:0014671, OMIM 616505.

Allele frequency attached by ClinVar (database versions not stated): gnomAD exomes below 0.00001; gnomAD 0.00001.
gnomAD v4.1: 4 of 1,562,742 alleles (0.00026%); highest among the groups gnomAD compares: Non-Finnish European, 0.00035%; no homozygotes.

Submission:

Labcorp Genetics (formerly Invitae), Labcorp
Classification: Uncertain significance for Neuropathy, hereditary motor and sensory, type 6B. Last evaluated: 2021-08-24. Review status: criteria provided, single submitter. Criteria: Invitae Variant Classification Sherloc (09022015). Collection method: clinical testing. Allele origin: germline.
Comment: This sequence change replaces threonine with proline at codon 77 of the SLC25A46 protein (p.Thr77Pro). The threonine residue is weakly conserved and there is a small physicochemical difference between threonine and proline. This variant is not present in population databases (ExAC no frequency). This variant has not been reported in the literature in individuals affected with SLC25A46-related conditions. Algorithms developed to predict the effect of missense changes on protein structure and function output the following: SIFT: "Tolerated"; PolyPhen-2: "Benign"; Align-GVGD: "Class C0". The proline amino acid residue is found in multiple mammalian species, which suggests that this missense change does not adversely affect protein function. In summary, the available evidence is currently insufficient to determine the role of this variant in disease. Therefore, it has been classified as a Variant of Uncertain Significance.

NM_138773.4(SLC25A46):c.229A>C (p.Thr77Pro)

Gene: SLC25A46 (solute carrier family 25 member 46; plus strand). Cytogenetic location: 5q22.1.
Variant type: single nucleotide variant.
Coding change: c.229A>C on transcript NM_138773.4 (MANE Select); coding-DNA position 229, A replaced by C.
Protein change: p.Thr77Pro; replaces threonine 77 with proline.
Molecular consequence: missense variant. On other transcripts: non-coding transcript variant (1), intron variant (1).
Genome position (GRCh38, 1-based): chr5:110,739,348, A>C. VCF-style: chr5-110739348-A-C. GRCh37 (hg19) VCF-style: chr5-110075049-A-C.
Other names: c.229A>C, p.Thr77Pro (NM_001303249.3); c.10+1101A>C (NM_001303250.3); short protein forms T77P.
Identifiers: ClinVar variation 943185 (VCV000943185.7), dbSNP rs1799549657, ClinGen allele CA360693402.